The following is an entry in ClinVar:

NM_000059.4(BRCA2):c.9995C>A (p.Ser3332Tyr)

Gene: BRCA2 (BRCA2 DNA repair associated; plus strand). Cytogenetic location: 13q13.1.
Variant type: single nucleotide variant.
Coding change: c.9995C>A on transcript NM_000059.4 (MANE Select); coding-DNA position 9995, C replaced by A.
Protein change: p.Ser3332Tyr; replaces serine 3332 with tyrosine.
Molecular consequence: missense variant.
Genome position (GRCh38, 1-based): chr13:32,398,508, C>A. VCF-style: chr13-32398508-C-A. GRCh37 (hg19) VCF-style: chr13-32972645-C-A.
Other names: short protein forms S3332Y.
Identifiers: ClinVar variation 229877 (VCV000229877.6), dbSNP rs876658246, ClinGen allele CA10579852.

ClinVar aggregate classification (germline): Uncertain significance. Review status: criteria provided, multiple submitters, no conflicts (2 of 4 stars). 2 submissions from 2 submitters: Uncertain significance (2). Last evaluated 2025-02-10.

Conditions:
Hereditary cancer-predisposing syndrome. Also called: Hereditary neoplastic syndrome; Hereditary Cancer Syndrome; Neoplastic Syndromes, Hereditary; Tumor predisposition. Identifiers: Orphanet 140162, MedGen C0027672, MeSH D009386, MONDO:0015356.
Hereditary breast ovarian cancer syndrome. Also called: Hereditary breast and ovarian cancer syndrome; Hereditary breast and ovarian cancer syndrome (HBOC); Breast and ovarian cancer; Hereditary breast and/or ovarian cancer syndrome; Hereditary breast and ovarian cancer; BRCA1- and BRCA2-Associated Hereditary Breast and Ovarian Cancer. Identifiers: Orphanet 145, MedGen C0677776, MeSH D061325, MONDO:0003582. Disease mechanism: loss of function.

Submissions (2):

Labcorp Genetics (formerly Invitae), Labcorp
Classification: Uncertain significance for Hereditary breast ovarian cancer syndrome. Last evaluated: 2025-02-10. Review status: criteria provided, single submitter. Criteria: Invitae Variant Classification Sherloc (09022015). Collection method: clinical testing. Allele origin: germline.
Comment: This sequence change replaces serine, which is neutral and polar, with tyrosine, which is neutral and polar, at codon 3332 of the BRCA2 protein (p.Ser3332Tyr). This variant is not present in population databases (gnomAD no frequency). This variant has not been reported in the literature in individuals affected with BRCA2-related conditions. ClinVar contains an entry for this variant (Variation ID: 229877). Invitae Evidence Modeling of protein sequence and biophysical properties (such as structural, functional, and spatial information, amino acid conservation, physicochemical variation, residue mobility, and thermodynamic stability) indicates that this missense variant is not expected to disrupt BRCA2 protein function with a negative predictive value of 95%. Experimental studies have shown that this missense change does not substantially affect BRCA2 function (PMID: 37731132). In summary, the available evidence is currently insufficient to determine the role of this variant in disease. Therefore, it has been classified as a Variant of Uncertain Significance.

Ambry Genetics
Classification: Uncertain significance for Hereditary cancer-predisposing syndrome. Last evaluated: 2015-01-12. Review status: criteria provided, single submitter. Criteria: Ambry Variant Classification Scheme 2023. Collection method: clinical testing. Allele origin: germline.
Comment: The p.S3332Y variant (also known as c.9995C>A and 10223C>A), located in coding exon 26 of the BRCA2 gene, results from a C to A substitution at nucleotide position 9995. The serine at codon 3332 is replaced by tyrosine, an amino acid with dissimilar properties. This variant was not reported in population based cohorts in the following databases: Database of Single Nucleotide Polymorphisms (dbSNP), NHLBI Exome Sequencing Project (ESP), and 1000 Genomes Project. In the ESP, this variant was not observed in 6500 samples (13000 alleles) with coverage at this position. To date, this alteration has been detected with an allele frequency of approximately 0.01% (greater than 105,000 alleles tested) in our clinical cohort. This amino acid position is not well conserved in available vertebrate species. In addition, this alteration is predicted to be tolerated by in silico analysis. Since supporting evidence is limited at this time, the clinical significance of p.S3332Y remains unclear.

Literature cited by the submitters: PubMed 37731132 (cited by Labcorp Genetics (formerly Invitae), Labcorp).